The following is an entry in ClinVar:

ClinVar aggregate classification (germline): Uncertain significance. Review status: criteria provided, multiple submitters, no conflicts (2 of 4 stars). 2 submissions from 2 submitters: Uncertain significance (2). Last evaluated 2022-04-29.

Conditions:
Inborn genetic diseases. Identifiers: MedGen C0950123, MeSH D030342.

Allele frequency attached by ClinVar (database versions not stated): gnomAD exomes 0.00004; TOPMed 0.00025; gnomAD 0.00027 and 0.00029.
gnomAD v4.1: 47 of 1,306,876 alleles (0.0036%); highest among the groups gnomAD compares: Admixed American, 0.16%; no homozygotes.

Submissions (2):

Labcorp Genetics (formerly Invitae), Labcorp
Classification: Uncertain significance. Last evaluated: 2022-04-29. Review status: criteria provided, single submitter. Criteria: Invitae Variant Classification Sherloc (09022015). Collection method: clinical testing. Allele origin: germline.
Comment: This sequence change replaces glycine, which is neutral and non-polar, with arginine, which is basic and polar, at codon 14 of the COQ9 protein (p.Gly14Arg). The frequency data for this variant in the population databases is considered unreliable, as metrics indicate poor data quality at this position in the gnomAD database. This variant has not been reported in the literature in individuals affected with COQ9-related conditions. Algorithms developed to predict the effect of missense changes on protein structure and function are either unavailable or do not agree on the potential impact of this missense change (SIFT: "Tolerated"; PolyPhen-2: "Not Available"; Align-GVGD: "Class C0"). Algorithms developed to predict the effect of sequence changes on RNA splicing suggest that this variant may disrupt the consensus splice site. In summary, the available evidence is currently insufficient to determine the role of this variant in disease. Therefore, it has been classified as a Variant of Uncertain Significance.

Ambry Genetics
Classification: Uncertain significance for Inborn genetic diseases. Last evaluated: 2022-01-12. Review status: criteria provided, single submitter. Criteria: Ambry Variant Classification Scheme 2023. Collection method: clinical testing. Allele origin: germline.

NM_020312.4(COQ9):c.40G>C (p.Gly14Arg)

Genes: COQ9 (coenzyme Q9; plus strand), LOC112469007 (Sharpr-MPRA regulatory region 5957; plus strand). Cytogenetic location: 16q21.
Variant type: single nucleotide variant.
Coding change: c.40G>C on transcript NM_020312.4 (MANE Select); coding-DNA position 40, G replaced by C.
Protein change: p.Gly14Arg; replaces glycine 14 with arginine.
Molecular consequence: missense variant.
Genome position (GRCh38, 1-based): chr16:57,447,545, G>C. VCF-style: chr16-57447545-G-C. GRCh37 (hg19) VCF-style: chr16-57481457-G-C.
Other names: c.40G>C (NM_020312.3); short protein forms G14R.
Identifiers: ClinVar variation 1438917 (VCV001438917.6), dbSNP rs751934309, ClinGen allele CA8076062.